The following is an entry in ClinVar:

NM_006431.3(CCT2):c.1235G>C (p.Cys412Ser)

Gene: CCT2 (chaperonin containing TCP1 subunit 2; plus strand). Cytogenetic location: 12q15.
Variant type: single nucleotide variant.
Coding change: c.1235G>C on transcript NM_006431.3 (MANE Select); coding-DNA position 1235, G replaced by C.
Protein change: p.Cys412Ser; replaces cysteine 412 with serine.
Molecular consequence: missense variant.
Genome position (GRCh38, 1-based): chr12:69,597,971, G>C. VCF-style: chr12-69597971-G-C. GRCh37 (hg19) VCF-style: chr12-69991751-G-C.
Other names: c.1094G>C, p.Cys365Ser (NM_001198842.2); short protein forms C365S, C412S.
Identifiers: ClinVar variation 1015166 (VCV001015166.8), dbSNP rs199557780, ClinGen allele CA6680816.

ClinVar aggregate classification (germline): Uncertain significance (1 of 4 stars; one submission).

Allele frequency attached by ClinVar (database versions not stated): gnomAD exomes below 0.00001 and 0.00002; ExAC 0.00001.
gnomAD v4.1: 32 of 1,612,464 alleles (0.002%); highest among the groups gnomAD compares: East Asian, 0.067%; no homozygotes.

Submission:

Labcorp Genetics (formerly Invitae), Labcorp
Classification: Uncertain significance. Last evaluated: 2022-08-31. Review status: criteria provided, single submitter. Criteria: Invitae Variant Classification Sherloc (09022015). Collection method: clinical testing. Allele origin: germline.
Comment: This variant has not been reported in the literature in individuals affected with CCT2-related conditions. This sequence change replaces cysteine, which is neutral and slightly polar, with serine, which is neutral and polar, at codon 412 of the CCT2 protein (p.Cys412Ser). This variant is present in population databases (rs199557780, gnomAD 0.006%). ClinVar contains an entry for this variant (Variation ID: 1015166). Algorithms developed to predict the effect of missense changes on protein structure and function (SIFT, PolyPhen-2, Align-GVGD) all suggest that this variant is likely to be tolerated. In summary, the available evidence is currently insufficient to determine the role of this variant in disease. Therefore, it has been classified as a Variant of Uncertain Significance.